The following is an entry in ClinVar:

NM_017646.6(TRIT1):c.408T>C (p.Asn136=)

Gene: TRIT1 (tRNA isopentenyltransferase 1; minus strand). Cytogenetic location: 1p34.2.
Variant type: single nucleotide variant.
Coding change: c.408T>C on transcript NM_017646.6 (MANE Select); coding-DNA position 408, T replaced by C.
Protein change: p.Asn136=; no amino-acid change (asparagine 136 retained).
Molecular consequence: synonymous variant. On other transcripts: intron variant (1).
Genome position (GRCh38, 1-based): chr1:39,853,976, A>G on the plus strand (T>C on the coding strand, the complement: TRIT1 is on the minus strand). VCF-style: chr1-39853976-A-G. GRCh37 (hg19) VCF-style: chr1-40319648-A-G.
Other names: c.408T>C, p.Asn136= (NM_001312691.2); c.175-1100T>C (NM_001312692.1).
Identifiers: ClinVar variation 3040616 (VCV003040616.2), dbSNP rs1272799785, ClinGen allele CA417306989.
Genomic context (GRCh38, chr1:39,853,976, plus strand): 5'-CAGCAAGAAAGAGCAATCCATTTCCTCAGTGAGTTACGAGTGAACTAAACTTACCTTGGT[A>G]TTGACAAGAACTTTCCAGAGCAGAGATTCAATGTAATAATTGGTTCCTCCCACAACAATA-3'
Protein context (NP_060116.2, residues 126-146): IESLLWKVLV[Asn136=]TKPQEMGTEK

ClinVar aggregate classification (germline): Likely benign (0 of 4 stars; one submission).

Conditions:
TRIT1-related disorder. Also called: TRIT1-related condition.

Allele frequency attached by ClinVar (database versions not stated): gnomAD exomes 0.00001; TOPMed 0.00001; gnomAD 0.00001.

Submission:

PreventionGenetics, part of Exact Sciences
Classification: Likely benign for TRIT1-related condition. Last evaluated: 2019-09-17. Review status: no assertion criteria provided. Collection method: clinical testing. Allele origin: germline.
Comment: This variant is classified as likely benign based on ACMG/AMP sequence variant interpretation guidelines (Richards et al. 2015 PMID: 25741868, with internal and published modifications).